The following is an entry in ClinVar:

ClinVar aggregate classification (germline): Uncertain significance (1 of 4 stars; one submission).

Conditions:
Neuropathy, hereditary sensory and autonomic, type 2A (HSAN2A). Also called: ACROOSTEOLYSIS, GIACCAI TYPE; ACROOSTEOLYSIS, NEUROGENIC; WNK1-Related HSAN2 (HSAN2A); NEUROPATHY, HEREDITARY SENSORY RADICULAR, AUTOSOMAL RECESSIVE; MORVAN DISEASE; NEUROPATHY, CONGENITAL SENSORY. Identifiers: Orphanet 970, MedGen C2752089, MONDO:0024309, OMIM 201300.
Generalized epilepsy with febrile seizures plus, type 7 (GEFSP7). Also called: GEFS+, TYPE 7. Identifiers: Orphanet 36387, MedGen C2751778, MONDO:0013470, OMIM 613863.

Submission:

Labcorp Genetics (formerly Invitae), Labcorp
Classification: Uncertain significance for Neuropathy, hereditary sensory and autonomic, type 2A; Generalized epilepsy with febrile seizures plus, type 7. Last evaluated: 2025-10-01. Review status: criteria provided, single submitter. Criteria: Invitae Variant Classification Sherloc (09022015). Collection method: clinical testing. Allele origin: germline.
Comment: This sequence change replaces alanine, which is neutral and non-polar, with valine, which is neutral and non-polar, at codon 1473 of the SCN9A protein (p.Ala1473Val). This variant is not present in population databases (gnomAD no frequency). This variant has not been reported in the literature in individuals affected with SCN9A-related conditions. Invitae Evidence Modeling of protein sequence and biophysical properties (such as structural, functional, and spatial information, amino acid conservation, physicochemical variation, residue mobility, and thermodynamic stability) indicates that this missense variant is not expected to disrupt SCN9A protein function with a negative predictive value of 80%. In summary, the available evidence is currently insufficient to determine the role of this variant in disease. Therefore, it has been classified as a Variant of Uncertain Significance.

NM_001365536.1(SCN9A):c.4451C>T (p.Ala1484Val)

Genes: SCN9A (sodium voltage-gated channel alpha subunit 9; minus strand), SCN1A-AS1 (SCN1A and SCN9A antisense RNA 1; plus strand). Cytogenetic location: 2q24.3.
Variant type: single nucleotide variant.
Coding change: c.4451C>T on transcript NM_001365536.1 (MANE Select); coding-DNA position 4451, C replaced by T.
Protein change: p.Ala1484Val; replaces alanine 1484 with valine.
Molecular consequence: missense variant.
Genome position (GRCh38, 1-based): chr2:166,204,412, G>A on the plus strand (C>T on the coding strand, the complement: SCN9A is on the minus strand). VCF-style: chr2-166204412-G-A. GRCh37 (hg19) VCF-style: chr2-167060922-G-A.
Other names: c.4418C>T, p.Ala1473Val (NM_002977.4); short protein forms A1484V, A1473V.
Identifiers: ClinVar variation 4783383 (VCV004783383.1).
Genomic context (GRCh38, chr2:166,204,412, plus strand): 5'-TTTTTTACCCCTGGTCGAGGAATTGGCTTTTGTGGCTTCTTGGACCCCAGCTTTTTCATT[G>A]CATTATAGTATTTCTTCTGTTCTTCTGTCATAAAGATGTCTTGACCTCCAAGGTAAAGAA-3'
Protein context (NP_001352465.1, residues 1474-1494): MTEEQKKYYN[Ala1484Val]MKKLGSKKPQ